The following is an entry in ClinVar:

ClinVar aggregate classification (germline): Likely pathogenic (1 of 4 stars; one submission).

Conditions:
CHARGE syndrome (CHARGE). Also called: Hittner Hirsch Kreh syndrome; CHARGE ASSOCIATION--COLOBOMA, HEART ANOMALY, CHOANAL ATRESIA, RETARDATION, GENITAL AND EAR ANOMALIES; Coloboma, heart anomaly, choanal atresia, retardation, genital and ear anomalies; CHARGE association; Hall-Hittner syndrome. Identifiers: Orphanet 138, MedGen C0265354, MONDO:0008965.

Submission:

Women's Health and Genetics/Laboratory Corporation of America, LabCorp
Classification: Likely pathogenic for CHARGE syndrome. Last evaluated: 2023-12-19. Review status: criteria provided, single submitter. Criteria: LabCorp Variant Classification Summary - May 2015. Collection method: clinical testing. Allele origin: germline.
Comment: Variant summary: CHD7 c.5436C>G (p.Asp1812Glu) results in a conservative amino acid change in the encoded protein sequence. Four of five in-silico tools predict a damaging effect of the variant on protein function. The variant was absent in 248324 control chromosomes (gnomAD). c.5436C>G has been reported in the literature in at least two individuals affected with and/or with clinical features of CHARGE Syndrome, including one case where it was reportedly de novo (e.g. Bilan_2012, Butcher_2017). These data indicate the variant is likely associated with disease. To our knowledge, no experimental evidence demonstrating an impact on protein function has been reported. However, other variants affecting the same amino acid have been reported in association with CHARGE syndrome in the HGMD database, suggesting Asp1812 may be important for protein function. The following publications have been ascertained in the context of this evaluation (PMID: 29304373, 22033296, 28475860, 35904121). No submitters have cited clinical-significance assessments for this variant to ClinVar after 2014. Based on the evidence outlined above, the variant was classified as likely pathogenic.

Literature cited by the submitters: PubMed 22033296; PubMed 29304373; PubMed 28475860; PubMed 35904121.

NM_017780.4(CHD7):c.5436C>G (p.Asp1812Glu)

Gene: CHD7 (chromodomain helicase DNA binding protein 7; plus strand). Cytogenetic location: 8q12.2.
Variant type: single nucleotide variant.
Coding change: c.5436C>G on transcript NM_017780.4 (MANE Select); coding-DNA position 5436, C replaced by G.
Protein change: p.Asp1812Glu; replaces aspartic acid 1812 with glutamic acid.
Molecular consequence: missense variant. On other transcripts: intron variant (1).
Genome position (GRCh38, 1-based): chr8:60,850,524, C>G. VCF-style: chr8-60850524-C-G. GRCh37 (hg19) VCF-style: chr8-61763083-C-G.
Other names: c.1717-11705C>G (NM_001316690.1); short protein forms D1812E.
Identifiers: ClinVar variation 2691345 (VCV002691345.1), dbSNP rs1586440484, ClinGen allele CA371321559.